The following is an entry in ClinVar:

NM_014905.5(GLS):c.-212GCA[24]

Genes: GLS (glutaminase; plus strand), LOC129935268 (ATAC-STARR-seq lymphoblastoid silent region 12186; plus strand). Cytogenetic location: 2q32.2.
Variant type: Microsatellite.
Coding change: c.-212GCA[24] on transcript NM_014905.5 (MANE Select); 24 copies in a row of the 3-base unit GCA starting at c.-212; the reference has 16 copies in a row; eight copies, 24 bases duplicated.
Molecular consequence: 5 prime UTR variant.
Genome position (GRCh38, 1-based): chr2:190,880,897-190,880,920, GCAGCAGCAGCAGCAGCAGCAGCA duplicated; duplicating any 24 consecutive bases within chr2:190,880,873-190,880,920 gives the same sequence; the position shown is the placement nearest the transcript's 3' end. VCF-style (leftmost placement, unchanged base first): chr2-190880872-C-CGCAGCAGCAGCAGCAGCAGCAGCA. GRCh37 (hg19) VCF-style: chr2-191745598-C-CGCAGCAGCAGCAGCAGCAGCAGCA.
Other names: c.-212GCA[24] (NM_001256310.2).
Identifiers: ClinVar variation 3054076 (VCV003054076.2), dbSNP rs57674096, ClinGen allele CA762383398.

ClinVar aggregate classification (germline): Likely benign (0 of 4 stars; one submission).

Conditions:
GLS-related disorder. Also called: GLS-related condition.

Submission:

PreventionGenetics, part of Exact Sciences
Classification: Likely benign for GLS-related condition. Last evaluated: 2021-11-01. Review status: no assertion criteria provided. Collection method: clinical testing. Allele origin: germline.
Comment: This variant is classified as likely benign based on ACMG/AMP sequence variant interpretation guidelines (Richards et al. 2015 PMID: 25741868, with internal and published modifications).